The following is an entry in ClinVar:

NM_015338.6(ASXL1):c.3994G>A (p.Val1332Ile)

Gene: ASXL1 (ASXL transcriptional regulator 1; plus strand). Cytogenetic location: 20q11.21.
Variant type: single nucleotide variant.
Coding change: c.3994G>A on transcript NM_015338.6 (MANE Select); coding-DNA position 3994, G replaced by A.
Protein change: p.Val1332Ile; replaces valine 1332 with isoleucine.
Molecular consequence: missense variant.
Genome position (GRCh38, 1-based): chr20:32,436,706, G>A. VCF-style: chr20-32436706-G-A. GRCh37 (hg19) VCF-style: chr20-31024509-G-A.
Other names: c.3811G>A, p.Val1271Ile (NM_001363734.1); short protein forms V1271I, V1332I.
Identifiers: ClinVar variation 4864256 (VCV004864256.1).

ClinVar aggregate classification (germline): Uncertain significance (1 of 4 stars; one submission).

Conditions:
Inborn genetic diseases. Identifiers: MedGen C0950123, MeSH D030342.

Submission:

Ambry Genetics
Classification: Uncertain significance for Inborn genetic diseases. Last evaluated: 2026-04-19. Review status: criteria provided, single submitter. Criteria: Ambry Variant Classification Scheme 2023. Collection method: clinical testing. Allele origin: germline.
Comment: The p.V1332I variant (also known as c.3994G>A), located in coding exon 13 of the ASXL1 gene, results from a G to A substitution at nucleotide position 3994. The valine at codon 1332 is replaced by isoleucine, an amino acid with highly similar properties. This amino acid position is conserved. In addition, this alteration is predicted to be tolerated by in silico analysis. Based on the available evidence, the clinical significance of this variant remains unclear.